The following is an entry in ClinVar:

NM_000138.5(FBN1):c.202dup (p.Cys68fs)

Gene: FBN1 (fibrillin 1; minus strand). Cytogenetic location: 15q21.1.
Variant type: Duplication.
Coding change: c.202dup on transcript NM_000138.5 (MANE Select); coding-DNA position 202, one base duplicated (T; older notation c.202dupT).
Protein change: p.Cys68fs; shifts the reading frame from cysteine 68.
Molecular consequence: frameshift variant.
Genome position (GRCh38, 1-based): chr15:48,613,055, A duplicated on the plus strand (T on the coding strand, the reverse complement: FBN1 is on the minus strand); the first of 2 consecutive A bases (chr15:48,613,055-48,613,056); duplicating either gives the same sequence. VCF-style (leftmost placement, unchanged base first): chr15-48613054-C-CA. GRCh37 (hg19) VCF-style: chr15-48905251-C-CA.
Other names: c.201dup, p.Cys68Leufs (NM_001406716.1, NM_001406717.1); short protein forms C68fs.
Identifiers: ClinVar variation 2003894 (VCV002003894.4), dbSNP rs2505779226, ClinGen allele CA2580089589.

ClinVar aggregate classification (germline): Pathogenic (1 of 4 stars; one submission).

Conditions:
Familial thoracic aortic aneurysm and aortic dissection (TAAD). Also called: Thoracic aortic aneurysms and dissections. Identifiers: Orphanet 91387, MedGen C4707243, MONDO:0019625.
Marfan syndrome (MFS). Also called: MARFAN SYNDROME, TYPE I; Marfan syndrome type 1; Marfan's syndrome; Marfan syndrome, classic; FBN1-Related Marfan Syndrome. Identifiers: Orphanet 284963, Orphanet 558, MedGen C0024796, MONDO:0007947, OMIM 154700.

Submission:

Labcorp Genetics (formerly Invitae), Labcorp
Classification: Pathogenic for Marfan syndrome; Familial thoracic aortic aneurysm and aortic dissection. Last evaluated: 2022-06-09. Review status: criteria provided, single submitter. Criteria: Invitae Variant Classification Sherloc (09022015). Collection method: clinical testing. Allele origin: germline.
Comment: This variant is not present in population databases (gnomAD no frequency). For these reasons, this variant has been classified as Pathogenic. This variant has not been reported in the literature in individuals affected with FBN1-related conditions. This sequence change creates a premature translational stop signal (p.Cys68Leufs*61) in the FBN1 gene. It is expected to result in an absent or disrupted protein product. Loss-of-function variants in FBN1 are known to be pathogenic (PMID: 17657824, 19293843).

Literature cited by the submitters: PubMed 17657824; PubMed 19293843.